The following is an entry in ClinVar:

ClinVar aggregate classification (germline): Uncertain significance (1 of 4 stars; one submission).

Submission:

Greenwood Genetic Center Diagnostic Laboratories, Greenwood Genetic Center
Classification: Uncertain significance. Last evaluated: 2024-05-08. Review status: criteria provided, single submitter. Criteria: ACMG Guidelines, 2015. Collection method: clinical testing. Allele origin: germline. Affected: yes.
Comment: PM2

NM_001329943.3(KIAA0586):c.4037A>G (p.Gln1346Arg)

Gene: KIAA0586 (KIAA0586; plus strand). Cytogenetic location: 14q23.1.
Variant type: single nucleotide variant.
Coding change: c.4037A>G on transcript NM_001329943.3 (MANE Select); coding-DNA position 4037, A replaced by G.
Protein change: p.Gln1346Arg; replaces glutamine 1346 with arginine.
Molecular consequence: missense variant.
Genome position (GRCh38, 1-based): chr14:58,498,829, A>G. VCF-style: chr14-58498829-A-G. GRCh37 (hg19) VCF-style: chr14-58965547-A-G.
Other names: c.4196A>G, p.Gln1399Arg (NM_001244189.2); c.3992A>G, p.Gln1331Arg (NM_001244190.2); c.3782A>G, p.Gln1261Arg (NM_001244191.2, NM_001329945.2, NM_001364700.1 and 1 more transcripts); c.3905A>G, p.Gln1302Arg (NM_001244192.2, NM_001329947.2); c.3617A>G, p.Gln1206Arg (NM_001244193.2); c.4037A>G, p.Gln1346Arg (NM_001329944.2, NM_001329946.2); c.3809A>G, p.Gln1270Arg (NM_014749.5); short protein forms Q1206R, Q1261R, Q1270R, Q1302R, Q1331R, Q1346R, Q1399R.
Identifiers: ClinVar variation 3338490 (VCV003338490.1).